The following is an entry in ClinVar:

ClinVar aggregate classification (germline): Uncertain significance (1 of 4 stars; one submission).

Submission:

Genetic Services Laboratory, University of Chicago
Classification: Uncertain significance. Last evaluated: 2020-10-23. Review status: criteria provided, single submitter. Criteria: ACMG Guidelines, 2015. Collection method: clinical testing. Allele origin: germline. Affected: no.
Comment: DNA sequence analysis of the IFT140 gene demonstrated a sequence change in intron 30, c.4183-9C>G. This change does not appear to have been previously described in patients with IFT140-related disorders and has also not been described in population databases (gnomAD, ExAC). This sequence change is located in a domain of the IFT140 protein that is not known to be functional and is not clearly predicted to have a deleterious effect on splicing based on in silico splice prediction programs. It is possible that this sequence change represents a benign sequence change in the IFT140 gene that has not been identified to date. The functional significance of this sequence change is not known at present and its contribution to a disease phenotype cannot definitively be determined.

NM_014714.4(IFT140):c.4183-9C>G

Gene: IFT140 (intraflagellar transport 140; minus strand). Cytogenetic location: 16p13.3.
Variant type: single nucleotide variant.
Coding change: c.4183-9C>G on transcript NM_014714.4 (MANE Select); 9 bases into the intron before coding-DNA position 4183, C replaced by G.
Molecular consequence: intron variant.
Genome position (GRCh38, 1-based): chr16:1,511,159, G>C on the plus strand (C>G on the coding strand, the complement: IFT140 is on the minus strand). VCF-style: chr16-1511159-G-C. GRCh37 (hg19) VCF-style: chr16-1561160-G-C.
Identifiers: ClinVar variation 1337757 (VCV001337757.4), dbSNP rs2141090224, ClinGen allele CA2573054140.